The following is an entry in ClinVar:

NM_000748.3(CHRNB2):c.1404dup (p.Val469fs)

Gene: CHRNB2 (cholinergic receptor nicotinic beta 2 subunit; plus strand). Cytogenetic location: 1q21.3.
Variant type: Duplication.
Coding change: c.1404dup on transcript NM_000748.3 (MANE Select); coding-DNA position 1404, one base duplicated (T; older notation c.1404dupT).
Protein change: p.Val469fs; shifts the reading frame from valine 469.
Molecular consequence: frameshift variant.
Genome position (GRCh38, 1-based): chr1:154,575,827, T duplicated; the last of 3 consecutive T bases (chr1:154,575,825-154,575,827); duplicating any one gives the same sequence. VCF-style (leftmost placement, unchanged base first): chr1-154575824-C-CT. GRCh37 (hg19) VCF-style: chr1-154548300-C-CT.
Other names: short protein forms V469fs.
Identifiers: ClinVar variation 2633000 (VCV002633000.1), dbSNP rs2526384319, ClinGen allele CA2648172473.

ClinVar aggregate classification (germline): Uncertain significance (1 of 4 stars; one submission).

Conditions:
CHRNB2-related disorder. Also called: CHRNB2-related condition.

Submission:

PreventionGenetics, part of Exact Sciences
Classification: Uncertain significance for CHRNB2-related condition. Last evaluated: 2023-04-14. Review status: criteria provided, single submitter. Criteria: ACMG Guidelines, 2015. Collection method: clinical testing. Allele origin: germline.
Comment: The CHRNB2 c.1404dupT variant is predicted to result in a frameshift and premature protein termination (p.Val469Cysfs*137). To our knowledge, this variant has not been reported in the literature or in a large population database, indicating this variant is rare. To date, no premature termination variants have been published in association with CHRNB2-related disease (HGMD). At this time, the clinical significance of this variant is uncertain due to the absence of conclusive functional and genetic evidence.